The following is an entry in ClinVar:

NM_017654.4(SAMD9):c.2924G>A (p.Cys975Tyr)

Gene: SAMD9 (sterile alpha motif domain containing 9; minus strand). Cytogenetic location: 7q21.2.
Variant type: single nucleotide variant.
Coding change: c.2924G>A on transcript NM_017654.4 (MANE Select); coding-DNA position 2924, G replaced by A.
Protein change: p.Cys975Tyr; replaces cysteine 975 with tyrosine.
Molecular consequence: missense variant.
Genome position (GRCh38, 1-based): chr7:93,103,174, C>T on the plus strand (G>A on the coding strand, the complement: SAMD9 is on the minus strand). VCF-style: chr7-93103174-C-T. GRCh37 (hg19) VCF-style: chr7-92732487-C-T.
Other names: c.2924G>A, p.Cys975Tyr (NM_001193307.2); short protein forms C975Y.
Identifiers: ClinVar variation 3949683 (VCV003949683.1).

ClinVar aggregate classification (germline): Uncertain significance (1 of 4 stars; one submission).

Conditions:
Inborn genetic diseases. Identifiers: MedGen C0950123, MeSH D030342.

Submission:

Ambry Genetics
Classification: Uncertain significance for Inborn genetic diseases. Last evaluated: 2025-05-31. Review status: criteria provided, single submitter. Criteria: Ambry Variant Classification Scheme 2023. Collection method: clinical testing. Allele origin: germline.
Comment: The p.C975Y variant (also known as c.2924G>A), located in coding exon 1 of the SAMD9 gene, results from a G to A substitution at nucleotide position 2924. The cysteine at codon 975 is replaced by tyrosine, an amino acid with highly dissimilar properties. This amino acid position is conserved. In addition, this alteration is predicted to be tolerated by in silico analysis. Based on the available evidence, the clinical significance of this variant remains unclear.